The following is an entry in ClinVar:

NM_153700.2(STRC):c.995C>G (p.Ser332Cys)

Gene: STRC (stereocilin; minus strand). Cytogenetic location: 15q15.3.
Variant type: single nucleotide variant.
Coding change: c.995C>G on transcript NM_153700.2 (MANE Select); coding-DNA position 995, C replaced by G.
Protein change: p.Ser332Cys; replaces serine 332 with cysteine.
Molecular consequence: missense variant.
Genome position (GRCh38, 1-based): chr15:43,616,571, G>C on the plus strand (C>G on the coding strand, the complement: STRC is on the minus strand). VCF-style: chr15-43616571-G-C. GRCh37 (hg19) VCF-style: chr15-43908769-G-C.
Other names: short protein forms S332C.
Identifiers: ClinVar variation 506243 (VCV000506243.6), dbSNP rs1360568237, ClinGen allele CA392184527.

ClinVar aggregate classification (germline): Uncertain significance. Review status: criteria provided, multiple submitters, no conflicts (2 of 4 stars). 2 submissions from 2 submitters: Uncertain significance (2). Last evaluated 2022-04-12.

Allele frequency attached by ClinVar (database versions not stated): 1000 Genomes Project 30x 0.00047.

Submissions (2):

Mayo Clinic Laboratories, Mayo Clinic
Classification: Uncertain significance. Last evaluated: 2022-04-12. Review status: criteria provided, single submitter. Criteria: ACMG Guidelines, 2015. Collection method: clinical testing. Allele origin: germline. Observed: 1 variant allele.

Laboratory for Molecular Medicine, Mass General Brigham Personalized Medicine
Classification: Uncertain significance. Last evaluated: 2017-12-14. Review status: criteria provided, single submitter. Criteria: LMM Criteria. Collection method: clinical testing. Allele origin: germline. Observed: 1 variant allele.
Comment: The p.Ser332Cys variant in STRC has not been previously reported in individuals with hearing loss. It has been reported in 4/49214 chromosomes the Genome Aggreg ation Database (gnomAD). Computational predict ion tools and conservation analysis do not provide strong support for or against an impact to the protein. In summary, the clinical significance of the p.Ser332 Cys variant is uncertain. ACMG/AMP Criteria applied: None.